The following is an entry in ClinVar:

NM_001160372.4(TRAPPC9):c.1129C>T (p.Arg377Ter)

Gene: TRAPPC9 (trafficking protein particle complex subunit 9; minus strand). Cytogenetic location: 8q24.3.
Variant type: single nucleotide variant.
Coding change: c.1129C>T on transcript NM_001160372.4 (MANE Select); coding-DNA position 1129, C replaced by T.
Protein change: p.Arg377Ter; replaces arginine 377 with a stop codon.
Molecular consequence: nonsense. On other transcripts: non-coding transcript variant (1).
Genome position (GRCh38, 1-based): chr8:140,397,625, G>A on the plus strand (C>T on the coding strand, the complement: TRAPPC9 is on the minus strand). VCF-style: chr8-140397625-G-A. GRCh37 (hg19) VCF-style: chr8-141407724-G-A.
Other names: c.1102C>T, p.Arg368Ter (NM_001321646.2); c.1150C>T, p.Arg384Ter (NM_001374682.1); c.1129C>T, p.Arg377Ter (NM_001374683.1, NM_001374684.1, NM_031466.8); short protein forms R475*, R377*, R368*, R384*.
Identifiers: ClinVar variation 758 (VCV000000758.31), dbSNP rs267607136, ClinGen allele CA114480.

ClinVar aggregate classification (germline): Pathogenic. Review status: criteria provided, multiple submitters, no conflicts (2 of 4 stars). 5 submissions from 5 submitters: Pathogenic (4). 1 of the submissions does not count toward it. Last evaluated 2022-11-20.

Conditions:
Intellectual developmental disorder, autosomal recessive 13. Also called: Intellectual disability, autosomal recessive 13. Identifiers: Orphanet 88616, MedGen C2750791, MONDO:0013173, OMIM 613192.
Abnormality of the nervous system. Also called: Congenital nervous system disorder. Identifiers: MedGen C0497552, MONDO:0002320, HP:0000707.

Allele frequency attached by ClinVar (database versions not stated): ExAC 0.00001; gnomAD 0.00001; TOPMed 0.00001.
gnomAD v4.1: 8 of 1,613,898 alleles (0.0005%); highest among the groups gnomAD compares: Middle Eastern, 0.017%; no homozygotes.

Submissions (5):

Labcorp Genetics (formerly Invitae), Labcorp
Classification: Pathogenic. Last evaluated: 2022-11-20. Review status: criteria provided, single submitter. Criteria: Invitae Variant Classification Sherloc (09022015). Collection method: clinical testing. Allele origin: germline.
Comment: This sequence change creates a premature translational stop signal (p.Arg475*) in the TRAPPC9 gene. It is expected to result in an absent or disrupted protein product. Loss-of-function variants in TRAPPC9 are known to be pathogenic (PMID: 2000476, 20004763, 20004764). This variant is present in population databases (rs267607136, gnomAD 0.007%). This premature translational stop signal has been observed in individuals with TRAPPC9-related intellectual disability (PMID: 20004763, 20004765). It has also been observed to segregate with disease in related individuals. ClinVar contains an entry for this variant (Variation ID: 758). For these reasons, this variant has been classified as Pathogenic.

Fulgent Genetics
Classification: Pathogenic for Intellectual developmental disorder, autosomal recessive 13. Last evaluated: 2022-02-09. Review status: criteria provided, single submitter. Criteria: ACMG Guidelines, 2015. Collection method: clinical testing. Allele origin: unknown.

Kariminejad - Najmabadi Pathology & Genetics Center
Classification: Pathogenic for Abnormality of the nervous system. Last evaluated: 2021-07-10. Review status: criteria provided, single submitter. Criteria: ACMG Guidelines, 2015. Collection method: clinical testing. Allele origin: germline. Affected: yes.

Breda Genetics srl
Classification: Pathogenic for Intellectual developmental disorder, autosomal recessive 13. Last evaluated: 2020-07-15. Review status: criteria provided, single submitter. Criteria: ACMG Guidelines, 2015. Collection method: clinical testing. Allele origin: germline. Inheritance: Autosomal recessive inheritance. Affected: yes. Observed: 1 variant allele, 1 homozygote.
Comment: The variant c.1423C>T (p.Arg475*) is reported as pathogenic for autosomal recessive mental retardation, 13 in ClinVar (Variation ID: 758) with the nomenclature c.1129C>T (p.Arg377*), reference transcript NM_001160372.4. The variant is reported as pathogenic in the LOVD database v.3.0 (genomic variant: #0000129999). It has been reported by Mochida et al, (2009, PMID: 20004763) in three affected females of an Israeli Arab family with nonsyndromic autosomal recessive mental retardation and by Jamra et al. (2011, PMID: 21629298) in six affected members of a large consanguineous Syrian family. The variant creates a premature stop codon at amino acid position Arg475, which is likely to result in a truncated protein or protein loss due to nonsense-mediated messenger decay (NMD). The variant is reported with an estimated allele frequency of 0.00001193 in gnomAD exomes, with no homozygous individuals reported.

OMIM
Classification: Pathogenic for INTELLECTUAL DEVELOPMENTAL DISORDER, AUTOSOMAL RECESSIVE 13. Last evaluated: 2011-11-01. Review status: no assertion criteria provided. Collection method: literature only. Allele origin: germline. Not counted in ClinVar's aggregate classification.

Literature cited by the submitters: PubMed 2000476 (cited by Labcorp Genetics (formerly Invitae), Labcorp); PubMed 20004763 (cited by Labcorp Genetics (formerly Invitae), Labcorp and OMIM); PubMed 20004764 (cited by Labcorp Genetics (formerly Invitae), Labcorp); PubMed 20004765 (cited by Labcorp Genetics (formerly Invitae), Labcorp and OMIM); PubMed 21629298 (cited by OMIM).